The following is an entry in ClinVar:

ClinVar aggregate classification (germline): Benign/Likely benign. Review status: criteria provided, multiple submitters, no conflicts (2 of 4 stars). 8 submissions from 8 submitters: Benign (1); Likely benign (6). 1 of the submissions does not count toward it. Last evaluated 2026-01-19.

Conditions:
Hereditary cancer-predisposing syndrome. Also called: Tumor predisposition; Hereditary Cancer Syndrome; Hereditary neoplastic syndrome; Neoplastic Syndromes, Hereditary. Identifiers: Orphanet 140162, MedGen C0027672, MeSH D009386, MONDO:0015356.
Hereditary diffuse gastric adenocarcinoma (HDGC). Also called: DIFFUSE GASTRIC AND LOBULAR BREAST CANCER SYNDROME. Identifiers: Orphanet 26106, MedGen C1708349, MONDO:0007648, OMIM 137215.

Allele frequency attached by ClinVar (database versions not stated): TOPMed below 0.00001; gnomAD 0.00001; gnomAD exomes 0.00001; ExAC 0.00002; 1000 Genomes Project 30x 0.00016; 1000 Genomes Project 0.00020.
gnomAD v4.1: 14 of 1,613,916 alleles (0.00087%); highest among the groups gnomAD compares: East Asian, 0.0067%; no homozygotes.

Submissions (8):

Labcorp Genetics (formerly Invitae), Labcorp
Classification: Likely benign for Hereditary diffuse gastric adenocarcinoma. Last evaluated: 2026-01-19. Review status: criteria provided, single submitter. Criteria: Invitae Variant Classification Sherloc (09022015). Collection method: clinical testing. Allele origin: germline.

Myriad Genetics, Inc.
Classification: Benign for Hereditary diffuse gastric adenocarcinoma. Last evaluated: 2024-09-20. Review status: criteria provided, single submitter. Criteria: Myriad Autosomal Dominant, Autosomal Recessive and X-Linked Classification Criteria (2023). Collection method: clinical testing. Allele origin: unknown.
Comment: This variant is considered benign. This variant is a silent/synonymous amino acid change and it is not expected to impact splicing.

Women's Health and Genetics/Laboratory Corporation of America, LabCorp
Classification: Likely benign. Last evaluated: 2019-08-28. Review status: criteria provided, single submitter. Criteria: LabCorp Variant Classification Summary - May 2015. Collection method: clinical testing. Allele origin: germline.

GeneDx
Classification: Likely benign. Last evaluated: 2019-07-03. Review status: criteria provided, single submitter. Criteria: GeneDx Variant Classification Process June 2021. Collection method: clinical testing. Allele origin: germline. Affected: yes.
Comment: This variant is associated with the following publications: (PMID: 24204729)

Color Diagnostics, LLC DBA Color Health
Classification: Likely benign for Hereditary cancer-predisposing syndrome. Last evaluated: 2019-05-02. Review status: criteria provided, single submitter. Criteria: ACMG Guidelines, 2015. Collection method: clinical testing. Allele origin: germline.

ARUP Laboratories, Molecular Genetics and Genomics, ARUP Laboratories
Classification: Likely benign. Last evaluated: 2017-12-18. Review status: criteria provided, single submitter. Criteria: ARUP Molecular Germline Variant Investigation Process. Collection method: clinical testing. Allele origin: germline.
Comment: The CDH1 c.2073C>T; p.Ala691Ala variant is listed in the medical literature in an individual with gastric cancer (Garziera 2013). However, the variant is also listed as likely benign in the ClinVar database (Variation ID: 183737). The variant is listed in the dbSNP variant database (rs536104508) and in the Genome Aggregation Database in 3/277160 alleles. This is a silent variant, the nucleotide at this position is not conserved, and computational algorithms (SpliceSiteFinder-like, MaxEntScan, NNSplice, GeneSplicer, Human Splicing Finder) predict no significant change in splicing. Considering available information, this variant is classified as likely benign. References: Garziera M et al. Identification and characterization of CDH1 germline variants in sporadic gastric cancer patients and in individuals at risk of gastric cancer. PLoS One. 2013 Oct 29;8(10):e77035.

Ambry Genetics
Classification: Likely benign for Hereditary cancer-predisposing syndrome. Last evaluated: 2015-07-01. Review status: criteria provided, single submitter. Criteria: Ambry Variant Classification Scheme 2023. Collection method: clinical testing. Allele origin: germline.

True Health Diagnostics
Classification: Likely benign for Hereditary cancer-predisposing syndrome. Last evaluated: 2018-02-20. Review status: no assertion criteria provided. Collection method: clinical testing. Allele origin: germline. Not counted in ClinVar's aggregate classification.

NM_004360.5(CDH1):c.2073C>T (p.Ala691=)

Gene: CDH1 (cadherin 1; plus strand). Cytogenetic location: 16q22.1.
Variant type: single nucleotide variant.
Coding change: c.2073C>T on transcript NM_004360.5 (MANE Select); coding-DNA position 2073, C replaced by T.
Protein change: p.Ala691=; no amino-acid change (alanine 691 retained).
Molecular consequence: synonymous variant.
Genome position (GRCh38, 1-based): chr16:68,823,535, C>T. VCF-style: chr16-68823535-C-T. GRCh37 (hg19) VCF-style: chr16-68857438-C-T.
Other names: c.2073C>T (LRG_301t1); c.1890C>T, p.Ala630= (NM_001317184.2); c.525C>T, p.Ala175= (NM_001317185.2); c.108C>T, p.Ala36= (NM_001317186.2).
Identifiers: ClinVar variation 183737 (VCV000183737.28), dbSNP rs536104508, ClinGen allele CA186276.
Genomic context (GRCh38, chr16:68,823,535, plus strand): 5'-TAACCAGAATAAAGACCAAGTGACCACCTTAGAGGTCAGCGTGTGTGACTGTGAAGGGGC[C>T]GCTGGCGTCTGTAGGAAGGCACAGCCTGTCGAAGCAGGATTGCAAATTCCTGCCATTCTG-3'
Protein context (NP_004351.1, residues 681-701): LEVSVCDCEG[Ala691=]AGVCRKAQPV